The following is an entry in ClinVar:

ClinVar aggregate classification (germline): Uncertain significance (1 of 4 stars; one submission).

Conditions:
Baller-Gerold syndrome (BGS). Also called: CRANIOSYNOSTOSIS WITH RADIAL DEFECTS. Identifiers: Orphanet 1225, MedGen C0265308, MONDO:0009039, OMIM 218600.

Submission:

Labcorp Genetics (formerly Invitae), Labcorp
Classification: Uncertain significance for Baller-Gerold syndrome. Last evaluated: 2023-06-28. Review status: criteria provided, single submitter. Criteria: Invitae Variant Classification Sherloc (09022015). Collection method: clinical testing. Allele origin: germline.
Comment: In summary, the available evidence is currently insufficient to determine the role of this variant in disease. Therefore, it has been classified as a Variant of Uncertain Significance. Advanced modeling of protein sequence and biophysical properties (such as structural, functional, and spatial information, amino acid conservation, physicochemical variation, residue mobility, and thermodynamic stability) performed at Invitae indicates that this missense variant is not expected to disrupt RECQL4 protein function. ClinVar contains an entry for this variant (Variation ID: 2144524). This variant has not been reported in the literature in individuals affected with RECQL4-related conditions. This variant is not present in population databases (gnomAD no frequency). This sequence change replaces glutamine, which is neutral and polar, with arginine, which is basic and polar, at codon 1179 of the RECQL4 protein (p.Gln1179Arg).

NM_004260.4(RECQL4):c.3536A>G (p.Gln1179Arg)

Gene: RECQL4 (RecQ like helicase 4; minus strand). Cytogenetic location: 8q24.3.
Variant type: single nucleotide variant.
Coding change: c.3536A>G on transcript NM_004260.4 (MANE Select); coding-DNA position 3536, A replaced by G.
Protein change: p.Gln1179Arg; replaces glutamine 1179 with arginine.
Molecular consequence: missense variant.
Genome position (GRCh38, 1-based): chr8:144,511,522, T>C on the plus strand (A>G on the coding strand, the complement: RECQL4 is on the minus strand). VCF-style: chr8-144511522-T-C. GRCh37 (hg19) VCF-style: chr8-145736905-T-C.
Other names: c.3242A>G, p.Gln1081Arg (NM_001413017.1); c.3338A>G, p.Gln1113Arg (NM_001413018.1); c.3611A>G, p.Gln1204Arg (NM_001413019.1); c.3440A>G, p.Gln1147Arg (NM_001413020.1); c.2465A>G, p.Gln822Arg (NM_001413021.1, NM_001413022.1, NM_001413024.1 and 4 more transcripts); c.2540A>G, p.Gln847Arg (NM_001413023.1); c.3407A>G, p.Gln1136Arg (NM_001413025.1); c.2399A>G, p.Gln800Arg (NM_001413027.1, NM_001413030.1, NM_001413032.1); and 9 more; short protein forms Q1169R, Q690R, Q822R, Q825R, Q1147R, Q1179R, Q1182R, Q1204R.
Identifiers: ClinVar variation 2144524 (VCV002144524.4), dbSNP rs939186872, ClinGen allele CA187678126.